The following is an entry in ClinVar:

NM_014795.4(ZEB2):c.540del (p.Glu181fs)

Genes: ZEB2 (zinc finger E-box binding homeobox 2; minus strand), LOC111721705 (skeletal muscle cis-regulatory module overlapping ZEB2; plus strand). Cytogenetic location: 2q22.3.
Variant type: Deletion.
Coding change: c.540del on transcript NM_014795.4 (MANE Select); coding-DNA position 540, one base deleted (T; older notation c.540delT).
Protein change: p.Glu181fs; shifts the reading frame from glutamic acid 181.
Molecular consequence: frameshift variant.
Genome position (GRCh38, 1-based): chr2:144,404,888, A deleted on the plus strand (T on the coding strand, the reverse complement: ZEB2 is on the minus strand). VCF-style (leftmost placement, unchanged base first): chr2-144404887-CA-C. GRCh37 (hg19) VCF-style: chr2-145162454-CA-C.
Other names: c.468del, p.Glu157fs (NM_001171653.2); short protein forms E157fs, E181fs.
Identifiers: ClinVar variation 2687499 (VCV002687499.2), dbSNP rs2549109951, ClinGen allele CA2586965047.

ClinVar aggregate classification (germline): Pathogenic (1 of 4 stars; one submission).

Conditions:
Mowat-Wilson syndrome (MOWS). Also called: Classic Mowat-Wilson Syndrome. Identifiers: Orphanet 2152, MedGen C1856113, MONDO:0009341, OMIM 235730.

Submission:

Medical Genetics Unit, Azienda USL-IRCCS di Reggio Emilia
Classification: Pathogenic for Mowat-Wilson syndrome. Last evaluated: 2023-10-20. Review status: criteria provided, single submitter. Criteria: ACMG Guidelines, 2015. Collection method: clinical testing. Allele origin: de novo. Affected: yes. Observed: 1 variant allele.
Comment: Heterozygous variant associated with Mowat-Wilson syndrome in at least 1 individual. ACMG/AMP criteria PVS1, PS2, PM2, PP4

Literature cited by the submitters: PubMed 29300384.